The following is an entry in ClinVar:

NM_001197104.2(KMT2A):c.5383G>A (p.Ala1795Thr)

Gene: KMT2A (lysine methyltransferase 2A; plus strand). Cytogenetic location: 11q23.3.
Variant type: single nucleotide variant.
Coding change: c.5383G>A on transcript NM_001197104.2 (MANE Select); coding-DNA position 5383, G replaced by A.
Protein change: p.Ala1795Thr; replaces alanine 1795 with threonine.
Molecular consequence: missense variant.
Genome position (GRCh38, 1-based): chr11:118,495,719, G>A. VCF-style: chr11-118495719-G-A. GRCh37 (hg19) VCF-style: chr11-118366434-G-A.
Other names: c.5374G>A, p.Ala1792Thr (NM_005933.4); short protein forms A1792T, A1795T.
Identifiers: ClinVar variation 1314655 (VCV001314655.10), dbSNP rs1565296868, ClinGen allele CA382838314.

ClinVar aggregate classification (germline): Uncertain significance. Review status: criteria provided, multiple submitters, no conflicts (2 of 4 stars). 3 submissions from 3 submitters: Uncertain significance (3). Last evaluated 2024-06-07.

Conditions:
Inborn genetic diseases. Identifiers: MedGen C0950123, MeSH D030342.

gnomAD v4.1: 2 of 1,611,764 alleles (0.00012%); highest among the groups gnomAD compares: Non-Finnish European, 0.00017%; no homozygotes.

Submissions (3):

Ambry Genetics
Classification: Uncertain significance for Inborn genetic diseases. Last evaluated: 2024-06-07. Review status: criteria provided, single submitter. Criteria: Ambry Variant Classification Scheme 2023. Collection method: clinical testing. Allele origin: germline.

Labcorp Genetics (formerly Invitae), Labcorp
Classification: Uncertain significance. Last evaluated: 2021-07-11. Review status: criteria provided, single submitter. Criteria: Invitae Variant Classification Sherloc (09022015). Collection method: clinical testing. Allele origin: germline.
Comment: This sequence change replaces alanine with threonine at codon 1795 of the KMT2A protein (p.Ala1795Thr). The alanine residue is moderately conserved and there is a small physicochemical difference between alanine and threonine. This variant is not present in population databases (ExAC no frequency). This variant has not been reported in the literature in individuals affected with KMT2A-related conditions. Advanced modeling of protein sequence and biophysical properties (such as structural, functional, and spatial information, amino acid conservation, physicochemical variation, residue mobility, and thermodynamic stability) performed at Invitae indicates that this missense variant is expected to disrupt KMT2A protein function. In summary, the available evidence is currently insufficient to determine the role of this variant in disease. Therefore, it has been classified as a Variant of Uncertain Significance.

GeneDx
Classification: Uncertain significance. Last evaluated: 2021-04-13. Review status: criteria provided, single submitter. Criteria: GeneDx Variant Classification Process June 2021. Collection method: clinical testing. Allele origin: germline. Affected: yes.
Comment: Not observed in large population cohorts (Lek et al., 2016); In silico analysis supports that this missense variant has a deleterious effect on protein structure/function; Has not been previously published as pathogenic or benign to our knowledge